The following is an entry in ClinVar:

NM_005337.5(NCKAP1L):c.2408G>C (p.Ser803Thr)

Gene: NCKAP1L (NCK associated protein 1 like; plus strand). Cytogenetic location: 12q13.2.
Variant type: single nucleotide variant.
Coding change: c.2408G>C on transcript NM_005337.5 (MANE Select); coding-DNA position 2408, G replaced by C.
Protein change: p.Ser803Thr; replaces serine 803 with threonine.
Molecular consequence: missense variant.
Genome position (GRCh38, 1-based): chr12:54,528,279, G>C. VCF-style: chr12-54528279-G-C. GRCh37 (hg19) VCF-style: chr12-54922063-G-C.
Other names: c.2258G>C, p.Ser753Thr (NM_001184976.2); short protein forms S753T, S803T.
Identifiers: ClinVar variation 2025911 (VCV002025911.4), dbSNP rs919085263, ClinGen allele CA385141177.

ClinVar aggregate classification (germline): Uncertain significance (1 of 4 stars; one submission).

Submission:

Labcorp Genetics (formerly Invitae), Labcorp
Classification: Uncertain significance. Last evaluated: 2022-08-21. Review status: criteria provided, single submitter. Criteria: Invitae Variant Classification Sherloc (09022015). Collection method: clinical testing. Allele origin: germline.
Comment: Algorithms developed to predict the effect of missense changes on protein structure and function (SIFT, PolyPhen-2, Align-GVGD) all suggest that this variant is likely to be tolerated. In summary, the available evidence is currently insufficient to determine the role of this variant in disease. Therefore, it has been classified as a Variant of Uncertain Significance. This variant has not been reported in the literature in individuals affected with NCKAP1L-related conditions. This variant is not present in population databases (gnomAD no frequency). This sequence change replaces serine, which is neutral and polar, with threonine, which is neutral and polar, at codon 803 of the NCKAP1L protein (p.Ser803Thr).